The following is an entry in ClinVar:

ClinVar aggregate classification (germline): Benign (0 of 4 stars; one submission).

Conditions:
HERC2-related disorder. Also called: HERC2-related condition.

Allele frequency attached by ClinVar (database versions not stated): gnomAD exomes 0.01233; ExAC 0.04132; gnomAD 0.12625; TOPMed 0.14155; 1000 Genomes Project 0.14297; ESP Exome Variant Server 0.14824; 1000 Genomes Project 30x 0.15475.
gnomAD v4.1: 37,993 of 1,614,096 alleles (2.4%); highest among the groups gnomAD compares: African/African-American, 44%; 7,653 homozygotes.

Submission:

PreventionGenetics, part of Exact Sciences
Classification: Benign for HERC2-related condition. Last evaluated: 2024-07-30. Review status: no assertion criteria provided. Collection method: clinical testing. Allele origin: germline.
Comment: This variant is classified as benign based on ACMG/AMP sequence variant interpretation guidelines (Richards et al. 2015 PMID: 25741868, with internal and published modifications).

NM_004667.6(HERC2):c.9096G>A (p.Thr3032=)

Gene: HERC2 (HECT and RLD domain containing E3 ubiquitin protein ligase 2; minus strand). Cytogenetic location: 15q13.1.
Variant type: single nucleotide variant.
Coding change: c.9096G>A on transcript NM_004667.6 (MANE Select); coding-DNA position 9096, G replaced by A.
Protein change: p.Thr3032=; no amino-acid change (threonine 3032 retained).
Molecular consequence: synonymous variant.
Genome position (GRCh38, 1-based): chr15:28,178,954, C>T on the plus strand (G>A on the coding strand, the complement: HERC2 is on the minus strand). VCF-style: chr15-28178954-C-T. GRCh37 (hg19) VCF-style: chr15-28424100-C-T.
Identifiers: ClinVar variation 3055380 (VCV003055380.2), dbSNP rs9806328, ClinGen allele CA7441266.